The following is an entry in ClinVar:

ClinVar aggregate classification (germline): Uncertain significance. Review status: criteria provided, multiple submitters, no conflicts (2 of 4 stars). 3 submissions from 3 submitters: Uncertain significance (3). Last evaluated 2026-01-04.

Conditions:
Hereditary cancer-predisposing syndrome. Also called: Tumor predisposition; Hereditary Cancer Syndrome; Hereditary neoplastic syndrome; Neoplastic Syndromes, Hereditary. Identifiers: Orphanet 140162, MedGen C0027672, MeSH D009386, MONDO:0015356.
Hereditary pheochromocytoma and paraganglioma. Also called: Hereditary paragangliomas and pheochromocytomas; Hereditary Paraganglioma-Pheochromocytoma Syndromes; Hereditary pheochromocytoma-paraganglioma. Identifiers: Orphanet 29072, MedGen C4274332, MONDO:0017366.

gnomAD v4.1: 3 of 1,544,026 alleles (0.00019%); highest among the groups gnomAD compares: Non-Finnish European, 0.00026%; no homozygotes.

Submissions (3):

Labcorp Genetics (formerly Invitae), Labcorp
Classification: Uncertain significance for Hereditary pheochromocytoma and paraganglioma. Last evaluated: 2026-01-04. Review status: criteria provided, single submitter. Criteria: Invitae Variant Classification Sherloc (09022015). Collection method: clinical testing. Allele origin: germline.
Comment: This sequence change replaces proline, which is neutral and non-polar, with arginine, which is basic and polar, at codon 27 of the TMEM127 protein (p.Pro27Arg). This variant is not present in population databases (gnomAD no frequency). This variant has not been reported in the literature in individuals affected with TMEM127-related conditions. ClinVar contains an entry for this variant (Variation ID: 1381549). An algorithm developed to predict the effect of missense changes on protein structure and function (PolyPhen-2) suggests that this variant is likely to be tolerated. In summary, the available evidence is currently insufficient to determine the role of this variant in disease. Therefore, it has been classified as a Variant of Uncertain Significance.

GeneDx
Classification: Uncertain significance. Last evaluated: 2024-10-07. Review status: criteria provided, single submitter. Criteria: GeneDx Variant Classification Process June 2021. Collection method: clinical testing. Allele origin: germline. Affected: yes.
Comment: Not observed at significant frequency in large population cohorts (gnomAD); In silico analysis indicates that this missense variant does not alter protein structure/function; Has not been previously published as pathogenic or benign to our knowledge

Ambry Genetics
Classification: Uncertain significance for Hereditary cancer-predisposing syndrome. Last evaluated: 2024-01-17. Review status: criteria provided, single submitter. Criteria: Ambry Variant Classification Scheme 2023. Collection method: clinical testing. Allele origin: germline.
Comment: The p.P27R variant (also known as c.80C>G), located in coding exon 1 of the TMEM127 gene, results from a C to G substitution at nucleotide position 80. The proline at codon 27 is replaced by arginine, an amino acid with dissimilar properties. This amino acid position is conserved. In addition, the in silico prediction for this alteration is inconclusive. Based on the available evidence, the clinical significance of this alteration remains unclear.

NM_017849.4(TMEM127):c.80C>G (p.Pro27Arg)

Genes: TMEM127 (transmembrane protein 127; minus strand), LOC129934333 (ATAC-STARR-seq lymphoblastoid silent region 11759; plus strand). Cytogenetic location: 2q11.2.
Variant type: single nucleotide variant.
Coding change: c.80C>G on transcript NM_017849.4 (MANE Select); coding-DNA position 80, C replaced by G.
Protein change: p.Pro27Arg; replaces proline 27 with arginine.
Molecular consequence: missense variant.
Genome position (GRCh38, 1-based): chr2:96,265,302, G>C on the plus strand (C>G on the coding strand, the complement: TMEM127 is on the minus strand). VCF-style: chr2-96265302-G-C. GRCh37 (hg19) VCF-style: chr2-96931040-G-C.
Other names: c.80C>G, p.Pro27Arg (NM_001193304.3); c.80C>G (NM_017849.3); short protein forms P27R.
Identifiers: ClinVar variation 1381549 (VCV001381549.10), dbSNP rs983504110, ClinGen allele CA347656152.
Genomic context (GRCh38, chr2:96,265,302, plus strand): 5'-GCAGTGCACAGCGCCGTGATAGACAGGGCGCCAGGCAGGGCCGAGGCCAGGCTACGCTCC[G>C]GCTGCTTGGGCAGAGCGCTGCCTCCCGGGCTCCTCCGCCGGCGCCCGCCGGGCAGCCCTG-3'
Protein context (NP_060319.1, residues 17-37): SPGGSALPKQ[Pro27Arg]ERSLASALPG